The following is an entry in ClinVar:

NM_000455.5(STK11):c.990C>G (p.Asp330Glu)

Genes: STK11 (serine/threonine kinase 11; plus strand), LOC130062899 (ATAC-STARR-seq lymphoblastoid active region 13597; plus strand). Cytogenetic location: 19p13.3.
Variant type: single nucleotide variant.
Coding change: c.990C>G on transcript NM_000455.5 (MANE Select); coding-DNA position 990, C replaced by G.
Protein change: p.Asp330Glu; replaces aspartic acid 330 with glutamic acid.
Molecular consequence: missense variant.
Genome position (GRCh38, 1-based): chr19:1,223,054, C>G. VCF-style: chr19-1223054-C-G. GRCh37 (hg19) VCF-style: chr19-1223053-C-G.
Other names: short protein forms D330E.
Identifiers: ClinVar variation 184947 (VCV000184947.16), dbSNP rs786201811, ClinGen allele CA023397.

ClinVar aggregate classification (germline): Uncertain significance. Review status: criteria provided, multiple submitters, no conflicts (2 of 4 stars). 3 submissions from 3 submitters: Uncertain significance (3). Last evaluated 2025-03-19.

Conditions:
Hereditary cancer-predisposing syndrome. Also called: Tumor predisposition; Hereditary Cancer Syndrome; Hereditary neoplastic syndrome; Neoplastic Syndromes, Hereditary. Identifiers: Orphanet 140162, MedGen C0027672, MeSH D009386, MONDO:0015356.
Peutz-Jeghers syndrome (PJS). Also called: POLYPOSIS, HAMARTOMATOUS INTESTINAL; POLYPS-AND-SPOTS SYNDROME; Peutz-Jeghers polyposis; Periorificial lentiginosis syndrome. Identifiers: Orphanet 2869, MedGen C0031269, MeSH D010580, MONDO:0008280, OMIM 175200.

Allele frequency attached by ClinVar (database versions not stated): gnomAD exomes below 0.00001.
gnomAD v4.1: 1 of 1,603,340 alleles (0.000062%); highest among the groups gnomAD compares: Non-Finnish European, 0.000085%; no homozygotes.

Submissions (3):

Labcorp Genetics (formerly Invitae), Labcorp
Classification: Uncertain significance for Peutz-Jeghers syndrome. Last evaluated: 2025-03-19. Review status: criteria provided, single submitter. Criteria: Invitae Variant Classification Sherloc (09022015). Collection method: clinical testing. Allele origin: germline.
Comment: This sequence change replaces aspartic acid, which is acidic and polar, with glutamic acid, which is acidic and polar, at codon 330 of the STK11 protein (p.Asp330Glu). This variant is not present in population databases (gnomAD no frequency). This variant has not been reported in the literature in individuals affected with STK11-related conditions. ClinVar contains an entry for this variant (Variation ID: 184947). Invitae Evidence Modeling of protein sequence and biophysical properties (such as structural, functional, and spatial information, amino acid conservation, physicochemical variation, residue mobility, and thermodynamic stability) indicates that this missense variant is not expected to disrupt STK11 protein function with a negative predictive value of 95%. In summary, the available evidence is currently insufficient to determine the role of this variant in disease. Therefore, it has been classified as a Variant of Uncertain Significance.

Ambry Genetics
Classification: Uncertain significance for Hereditary cancer-predisposing syndrome. Last evaluated: 2025-02-21. Review status: criteria provided, single submitter. Criteria: Ambry Variant Classification Scheme 2023. Collection method: clinical testing. Allele origin: germline.
Comment: The p.D330E variant (also known as c.990C>G), located in coding exon 8 of the STK11 gene, results from a C to G substitution at nucleotide position 990. The aspartic acid at codon 330 is replaced by glutamic acid, an amino acid with highly similar properties. This amino acid position is highly conserved in available vertebrate species. In addition, the in silico prediction for this alteration is inconclusive. Based on the available evidence, the clinical significance of this variant remains unclear.

Genome-Nilou Lab
Classification: Uncertain significance for Peutz-Jeghers syndrome. Last evaluated: 2021-07-15. Review status: criteria provided, single submitter. Criteria: ACMG Guidelines, 2015. Collection method: clinical testing. Allele origin: germline. Affected: no.